The following is an entry in ClinVar:

NM_001999.4(FBN2):c.4808G>A (p.Arg1603His)

Gene: FBN2 (fibrillin 2; minus strand). Cytogenetic location: 5q23.3.
Variant type: single nucleotide variant.
Coding change: c.4808G>A on transcript NM_001999.4 (MANE Select); coding-DNA position 4808, G replaced by A.
Protein change: p.Arg1603His; replaces arginine 1603 with histidine.
Molecular consequence: missense variant.
Genome position (GRCh38, 1-based): chr5:128,312,705, C>T on the plus strand (G>A on the coding strand, the complement: FBN2 is on the minus strand). VCF-style: chr5-128312705-C-T. GRCh37 (hg19) VCF-style: chr5-127648397-C-T.
Other names: short protein forms R1603H.
Identifiers: ClinVar variation 1409077 (VCV001409077.8), dbSNP rs751661259, ClinGen allele CA3394854.

ClinVar aggregate classification (germline): Uncertain significance (1 of 4 stars; one submission).

Conditions:
Congenital contractural arachnodactyly (CCA). Also called: Arthrogryposis, distal, type 9; BEALS SYNDROME; Beals-Hecht syndrome. Identifiers: Orphanet 115, MedGen C0220668, MONDO:0007363, OMIM 121050.

Allele frequency attached by ClinVar (database versions not stated): gnomAD exomes below 0.00001 and 0.00001; gnomAD 0.00001; TOPMed 0.00001; ExAC 0.00002.
gnomAD v4.1: 4 of 1,613,714 alleles (0.00025%); highest among the groups gnomAD compares: African/African-American, 0.0027%; no homozygotes.

Submission:

Labcorp Genetics (formerly Invitae), Labcorp
Classification: Uncertain significance for Congenital contractural arachnodactyly. Last evaluated: 2024-08-28. Review status: criteria provided, single submitter. Criteria: Invitae Variant Classification Sherloc (09022015). Collection method: clinical testing. Allele origin: germline.
Comment: This sequence change replaces arginine, which is basic and polar, with histidine, which is basic and polar, at codon 1603 of the FBN2 protein (p.Arg1603His). The frequency data for this variant in the population databases is considered unreliable, as metrics indicate poor data quality at this position in the gnomAD database. This variant has not been reported in the literature in individuals affected with FBN2-related conditions. ClinVar contains an entry for this variant (Variation ID: 1409077). Invitae Evidence Modeling of protein sequence and biophysical properties (such as structural, functional, and spatial information, amino acid conservation, physicochemical variation, residue mobility, and thermodynamic stability) indicates that this missense variant is not expected to disrupt FBN2 protein function with a negative predictive value of 80%. In summary, the available evidence is currently insufficient to determine the role of this variant in disease. Therefore, it has been classified as a Variant of Uncertain Significance.